The following is an entry in ClinVar:

NM_017841.4(SDHAF2):c.96A>T (p.Arg32Ser)

Gene: SDHAF2 (succinate dehydrogenase complex assembly factor 2; plus strand). Cytogenetic location: 11q12.2.
Variant type: single nucleotide variant.
Coding change: c.96A>T on transcript NM_017841.4 (MANE Select); coding-DNA position 96, A replaced by T.
Protein change: p.Arg32Ser; replaces arginine 32 with serine.
Molecular consequence: missense variant.
Genome position (GRCh38, 1-based): chr11:61,437,684, A>T. VCF-style: chr11-61437684-A-T. GRCh37 (hg19) VCF-style: chr11-61205156-A-T.
Other names: short protein forms R32S.
Identifiers: ClinVar variation 951169 (VCV000951169.15), dbSNP rs952830677, ClinGen allele CA222877279.

ClinVar aggregate classification (germline): Conflicting classifications of pathogenicity. Review status: criteria provided, conflicting classifications (1 of 4 stars). 4 submissions from 4 submitters: Uncertain significance (3); Likely benign (1). Last evaluated 2026-01-27.

Conditions:
Hereditary cancer-predisposing syndrome. Also called: Hereditary neoplastic syndrome; Hereditary Cancer Syndrome; Tumor predisposition; Neoplastic Syndromes, Hereditary. Identifiers: Orphanet 140162, MedGen C0027672, MeSH D009386, MONDO:0015356.
Pheochromocytoma/paraganglioma syndrome 2. Also called: SDHAF2-Related Hereditary Paraganglioma-Pheochromocytoma Syndrome (Paragangliomas 2); GLOMUS TUMORS, FAMILIAL, 2; SDHAF2-Related Hereditary Paraganglioma-Pheochromocytoma Syndrome; Paragangliomas 2. Identifiers: Orphanet 29072, MedGen C1866552, MONDO:0011121, OMIM 601650.
Hereditary pheochromocytoma and paraganglioma. Also called: Hereditary pheochromocytoma-paraganglioma; Hereditary Paraganglioma-Pheochromocytoma Syndromes; Hereditary paragangliomas and pheochromocytomas. Identifiers: Orphanet 29072, MedGen C4274332, MONDO:0017366.

Allele frequency attached by ClinVar (database versions not stated): TOPMed below 0.00001; gnomAD 0.00001; gnomAD exomes 0.00001 and 0.00002.

Submissions (4):

Labcorp Genetics (formerly Invitae), Labcorp
Classification: Uncertain significance for Hereditary pheochromocytoma and paraganglioma. Last evaluated: 2026-01-27. Review status: criteria provided, single submitter. Criteria: Invitae Variant Classification Sherloc (09022015). Collection method: clinical testing. Allele origin: germline.
Comment: This sequence change replaces arginine, which is basic and polar, with serine, which is neutral and polar, at codon 32 of the SDHAF2 protein (p.Arg32Ser). This variant is present in population databases (no rsID available, gnomAD 0.002%). This variant has not been reported in the literature in individuals affected with SDHAF2-related conditions. ClinVar contains an entry for this variant (Variation ID: 951169). An algorithm developed to predict the effect of missense changes on protein structure and function outputs the following: PolyPhen-2: "Benign". The serine amino acid residue is found in multiple mammalian species, which suggests that this missense change does not adversely affect protein function. In summary, the available evidence is currently insufficient to determine the role of this variant in disease. Therefore, it has been classified as a Variant of Uncertain Significance.

Quest Diagnostics Nichols Institute San Juan Capistrano
Classification: Uncertain significance. Last evaluated: 2025-08-28. Review status: criteria provided, single submitter. Criteria: Quest Diagnostics criteria. Collection method: clinical testing. Allele origin: unknown.
Comment: The SDHAF2 c.96A>T (p.Arg32Ser) variant has been identified in the published literature in a reportedly unaffected individual (PMID: 29641532 (2018)). The frequency of this variant in the general population (Genome Aggregation Database) is uninformative in the assessment of its pathogenicity. Analysis of this variant using bioinformatics tools for the prediction of the effect of amino acid changes on protein structure and function yielded predictions that this variant is benign. Based on the available information, we are unable to determine the clinical significance of this variant.

Ambry Genetics
Classification: Likely benign for Hereditary cancer-predisposing syndrome. Last evaluated: 2025-07-25. Review status: criteria provided, single submitter. Criteria: Ambry Variant Classification Scheme 2023. Collection method: clinical testing. Allele origin: germline.

Baylor Genetics
Classification: Uncertain significance for Pheochromocytoma/paraganglioma syndrome 2. Last evaluated: 2023-09-27. Review status: criteria provided, single submitter. Criteria: ACMG Guidelines, 2015. Collection method: clinical testing. Allele origin: unknown.

Literature cited by the submitters: PubMed 29641532 (cited by Quest Diagnostics Nichols Institute San Juan Capistrano); PubMed 36413997 (cited by Ambry Genetics).